The following is an entry in ClinVar:

NM_002294.3(LAMP2):c.*1314T>C

Gene: LAMP2 (lysosome associated membrane protein 2; minus strand). Cytogenetic location: Xq24.
Variant type: single nucleotide variant.
Coding change: c.*1314T>C on transcript NM_002294.3 (MANE Select); 1314 bases downstream of the stop codon, T replaced by C.
Molecular consequence: 3 prime UTR variant. On other transcripts: intron variant (1).
Genome position (GRCh38, 1-based): chrX:120,430,009, A>G on the plus strand (T>C on the coding strand, the complement: LAMP2 is on the minus strand). VCF-style: chrX-120430009-A-G. GRCh37 (hg19) VCF-style: chrX-119563864-A-G.
Other names: c.1094-1383T>C (NM_001122606.1).
Identifiers: ClinVar variation 367772 (VCV000367772.8), dbSNP rs5957381, ClinGen allele CA10645858.

ClinVar aggregate classification (germline): Benign. Review status: criteria provided, multiple submitters, no conflicts (2 of 4 stars). 2 submissions from 2 submitters: Benign (2). Last evaluated 2021-05-26.

Conditions:
Danon disease. Also called: ANTOPOL DISEASE; PSEUDOGLYCOGENOSIS II; GSD IIb; LYSOSOMAL GLYCOGEN STORAGE DISEASE WITHOUT ACID MALTASE DEFICIENCY; Glycogen Storage Disease Type IIb. Identifiers: Orphanet 34587, MedGen C0878677, MONDO:0010281, OMIM 300257.

Allele frequency attached by ClinVar (database versions not stated): gnomAD exomes 0.00750; gnomAD 0.09242 and 0.09876; 1000 Genomes Project 0.10013; 1000 Genomes Project 30x 0.10343; TOPMed 0.10599.

Submissions (2):

GeneDx
Classification: Benign. Last evaluated: 2021-05-26. Review status: criteria provided, single submitter. Criteria: GeneDx Variant Classification Process June 2021. Collection method: clinical testing. Allele origin: germline. Affected: yes.

Illumina Laboratory Services, Illumina
Classification: Benign for Danon disease. Last evaluated: 2018-01-13. Review status: criteria provided, single submitter. Criteria: ICSL Variant Classification Criteria 13 December 2019. Collection method: clinical testing. Allele origin: germline.
Comment: This variant was observed in the ICSL laboratory as part of a predisposition screen in an ostensibly healthy population. It had not been previously curated by ICSL or reported in the Human Gene Mutation Database (HGMD: prior to June 1st, 2018), and was therefore a candidate for classification through an automated scoring system. Utilizing variant allele frequency, disease prevalence and penetrance estimates, and inheritance mode, an automated score was calculated to assess if this variant is too frequent to cause the disease. Based on the score and internal cut-off values, a variant classified as benign is not then subjected to further curation. The score for this variant resulted in a classification of benign for this disease.